The following is an entry in ClinVar:

NM_000093.5(COL5A1):c.2492T>G (p.Ile831Ser)

Gene: COL5A1 (collagen type V alpha 1 chain; plus strand). Cytogenetic location: 9q34.3.
Variant type: single nucleotide variant.
Coding change: c.2492T>G on transcript NM_000093.5 (MANE Select); coding-DNA position 2492, T replaced by G.
Protein change: p.Ile831Ser; replaces isoleucine 831 with serine.
Molecular consequence: missense variant.
Genome position (GRCh38, 1-based): chr9:134,784,996, T>G. VCF-style: chr9-134784996-T-G. GRCh37 (hg19) VCF-style: chr9-137676842-T-G.
Other names: c.2492T>G, p.Ile831Ser (NM_001278074.1); short protein forms I831S.
Identifiers: ClinVar variation 2885614 (VCV002885614.3), dbSNP rs2490723827, ClinGen allele CA375454317.
Genomic context (GRCh38, chr9:134,784,996, plus strand): 5'-AATAGTGTGTGTGCGGGGGGTGGTCTTCTCACCTCCTCTTTTCTGGCTTGCAGGGGGAGA[T>G]CGGCCCACCCGGTCCCAGGGGAGAAGATGGCCCTGAAGGCCCAAAGGGTCGCGGAGGTCC-3'
Protein context (NP_000084.3, residues 821-841): DMGIKGDRGE[Ile831Ser]GPPGPRGEDG

ClinVar aggregate classification (germline): Uncertain significance (1 of 4 stars; one submission).

Conditions:
Ehlers-Danlos syndrome, classic type, 1 (EDSCL1). Also called: EDS I; EHLERS-DANLOS SYNDROME, GRAVIS TYPE; EHLERS-DANLOS SYNDROME, SEVERE CLASSIC TYPE; Ehlers-Danlos syndrome, type 1; Ehlers-Danlos Syndrome, Classic Type, COL5A1-Related. Identifiers: MedGen C0268335, MONDO:0019567, OMIM 130000.

Submission:

Labcorp Genetics (formerly Invitae), Labcorp
Classification: Uncertain significance for Ehlers-Danlos syndrome, classic type, 1. Last evaluated: 2024-03-12. Review status: criteria provided, single submitter. Criteria: Invitae Variant Classification Sherloc (09022015). Collection method: clinical testing. Allele origin: germline.
Comment: This sequence change replaces isoleucine, which is neutral and non-polar, with serine, which is neutral and polar, at codon 831 of the COL5A1 protein (p.Ile831Ser). This variant is not present in population databases (gnomAD no frequency). This missense change has been observed in individual(s) with clinical features of COL5A1-related conditions (Invitae). Advanced modeling of protein sequence and biophysical properties (such as structural, functional, and spatial information, amino acid conservation, physicochemical variation, residue mobility, and thermodynamic stability) performed at Invitae indicates that this missense variant is not expected to disrupt COL5A1 protein function with a negative predictive value of 95%. In summary, the available evidence is currently insufficient to determine the role of this variant in disease. Therefore, it has been classified as a Variant of Uncertain Significance.